The following is an entry in ClinVar:

ClinVar aggregate classification (germline): Likely benign (1 of 4 stars; one submission).

Allele frequency attached by ClinVar (database versions not stated): 1000 Genomes Project 0.00719; 1000 Genomes Project 30x 0.00734; gnomAD exomes 0.01142; gnomAD 0.01144; TOPMed 0.01187; ExAC 0.01297; ESP Exome Variant Server 0.01363.
gnomAD v4.1: 9,000 of 1,580,376 alleles (0.57%); highest among the groups gnomAD compares: South Asian, 0.95%; 348 homozygotes.

Submission:

CeGaT Center for Human Genetics Tuebingen
Classification: Likely benign. Last evaluated: 2025-07-01. Review status: criteria provided, single submitter. Criteria: CeGaT Center For Human Genetics Tuebingen Variant Classification Criteria Version 2. Collection method: clinical testing. Allele origin: germline. Affected: yes. Observed: 2 variant alleles.
Comment: KRTAP5-5: BP4, BP7, BS2

NM_001001480.3(KRTAP5-5):c.477C>T (p.Cys159=)

Gene: KRTAP5-5 (keratin associated protein 5-5; plus strand). Cytogenetic location: 11p15.5.
Variant type: single nucleotide variant.
Coding change: c.477C>T on transcript NM_001001480.3 (MANE Select); coding-DNA position 477, C replaced by T.
Protein change: p.Cys159=; no amino-acid change (cysteine 159 retained).
Molecular consequence: synonymous variant.
Genome position (GRCh38, 1-based): chr11:1,630,317, C>T. VCF-style: chr11-1630317-C-T. GRCh37 (hg19) VCF-style: chr11-1651547-C-T.
Identifiers: ClinVar variation 3234174 (VCV003234174.20), dbSNP rs193086302, ClinGen allele CA5813553.